The following is an entry in ClinVar:

ClinVar aggregate classification (germline): Uncertain significance (1 of 4 stars; one submission).

Conditions:
Inborn genetic diseases. Identifiers: MedGen C0950123, MeSH D030342.

Allele frequency attached by ClinVar (database versions not stated): ExAC 0.00001.
gnomAD v4.1: 3 of 1,610,800 alleles (0.00019%); highest among the groups gnomAD compares: South Asian, 0.0022%; no homozygotes.

Submission:

Ambry Genetics
Classification: Uncertain significance for Inborn genetic diseases. Last evaluated: 2021-06-22. Review status: criteria provided, single submitter. Criteria: Ambry Variant Classification Scheme 2023. Collection method: clinical testing. Allele origin: germline.
Comment: The p.M493V variant (also known as c.1477A>G), located in coding exon 12 of the MFN2 gene, results from an A to G substitution at nucleotide position 1477. The methionine at codon 493 is replaced by valine, an amino acid with highly similar properties. This amino acid position is not well conserved in available vertebrate species. In addition, the in silico prediction for this alteration is inconclusive. Since supporting evidence is limited at this time, the clinical significance of this alteration remains unclear.

NM_014874.4(MFN2):c.1477A>G (p.Met493Val)

Gene: MFN2 (mitofusin 2; plus strand). Cytogenetic location: 1p36.22.
Variant type: single nucleotide variant.
Coding change: c.1477A>G on transcript NM_014874.4 (MANE Select); coding-DNA position 1477, A replaced by G.
Protein change: p.Met493Val; replaces methionine 493 with valine.
Molecular consequence: missense variant.
Genome position (GRCh38, 1-based): chr1:12,004,909, A>G. VCF-style: chr1-12004909-A-G. GRCh37 (hg19) VCF-style: chr1-12064966-A-G.
Other names: c.1477A>G, p.Met493Val (NM_001127660.2); short protein forms M493V.
Identifiers: ClinVar variation 1773476 (VCV001773476.2), dbSNP rs758215379, ClinGen allele CA599129.